The following is an entry in ClinVar:

NM_001164508.2(NEB):c.19430G>A (p.Arg6477His)

Genes: NEB (nebulin; minus strand), LOC126806373 (BRD4-independent group 4 enhancer GRCh37_chr2:152410007-152411206; plus strand). Cytogenetic location: 2q23.3.
Variant type: single nucleotide variant.
Coding change: c.19430G>A on transcript NM_001164508.2 (MANE Select); coding-DNA position 19430, G replaced by A.
Protein change: p.Arg6477His; replaces arginine 6477 with histidine.
Molecular consequence: missense variant.
Genome position (GRCh38, 1-based): chr2:151,554,024, C>T on the plus strand (G>A on the coding strand, the complement: NEB is on the minus strand). VCF-style: chr2-151554024-C-T. GRCh37 (hg19) VCF-style: chr2-152410538-C-T.
Other names: c.19430G>A, p.Arg6477His (NM_001164507.2, NM_001271208.2); c.14327G>A, p.Arg4776His (NM_004543.5); c.14327G>A (NM_004543.4); short protein forms R4776H, R6477H.
Identifiers: ClinVar variation 1191194 (VCV001191194.10), dbSNP rs762108795, ClinGen allele CA1907632.

ClinVar aggregate classification (germline): Uncertain significance. Review status: criteria provided, multiple submitters, no conflicts (2 of 4 stars). 5 submissions from 5 submitters: Uncertain significance (4). 1 of the submissions does not count toward it. Last evaluated 2025-04-14.

Conditions:
Nemaline myopathy 2 (NEM2). Also called: Nemaline myopathy 2, autosomal recessive. Identifiers: MedGen C1850569, MONDO:0009725, OMIM 256030.
Inborn genetic diseases. Identifiers: MedGen C0950123, MeSH D030342.

Allele frequency attached by ClinVar (database versions not stated): gnomAD exomes 0.00002 and 0.00004; ExAC 0.00004; gnomAD 0.00004; TOPMed 0.00006.
gnomAD v4.1: 38 of 1,613,238 alleles (0.0024%); highest among the groups gnomAD compares: African/African-American, 0.0093%; no homozygotes.

Submissions (5):

Ambry Genetics
Classification: Uncertain significance for Inborn genetic diseases. Last evaluated: 2025-04-14. Review status: criteria provided, single submitter. Criteria: Ambry Variant Classification Scheme 2023. Collection method: clinical testing. Allele origin: germline.

Labcorp Genetics (formerly Invitae), Labcorp
Classification: Uncertain significance for Nemaline myopathy 2. Last evaluated: 2024-06-04. Review status: criteria provided, single submitter. Criteria: Invitae Variant Classification Sherloc (09022015). Collection method: clinical testing. Allele origin: germline.
Comment: This sequence change replaces arginine, which is basic and polar, with histidine, which is basic and polar, at codon 6477 of the NEB protein (p.Arg6477His). This variant is present in population databases (rs762108795, gnomAD 0.007%). This variant has not been reported in the literature in individuals affected with NEB-related conditions. ClinVar contains an entry for this variant (Variation ID: 1191194). Experimental studies and prediction algorithms are not available or were not evaluated, and the functional significance of this variant is currently unknown. In summary, the available evidence is currently insufficient to determine the role of this variant in disease. Therefore, it has been classified as a Variant of Uncertain Significance.

Revvity Omics, Revvity
Classification: Uncertain significance. Last evaluated: 2022-03-11. Review status: criteria provided, single submitter. Criteria: ACMG Guidelines, 2015. Collection method: clinical testing. Allele origin: germline.

GeneDx
Classification: Uncertain significance. Last evaluated: 2021-04-07. Review status: criteria provided, single submitter. Criteria: GeneDx Variant Classification Process June 2021. Collection method: clinical testing. Allele origin: germline. Affected: yes.
Comment: Has not been previously published as pathogenic or benign to our knowledge; Not observed at a significant frequency in large population cohorts (Lek et al., 2016); In silico analysis supports that this missense variant has a deleterious effect on protein structure/function

Natera, Inc.
Classification: Uncertain significance for Nemaline myopathy type 2. Last evaluated: 2020-11-05. Review status: no assertion criteria provided. Collection method: clinical testing. Allele origin: germline. Not counted in ClinVar's aggregate classification.